The following is an entry in ClinVar:

ClinVar aggregate classification (germline): Uncertain significance (1 of 4 stars; one submission).

gnomAD v4.1: 5 of 1,613,586 alleles (0.00031%); highest among the groups gnomAD compares: Non-Finnish European, 0.00042%; no homozygotes.

Submission:

GeneDx
Classification: Uncertain significance. Last evaluated: 2024-06-06. Review status: criteria provided, single submitter. Criteria: GeneDx Variant Classification Process June 2021. Collection method: clinical testing. Allele origin: germline. Affected: yes.
Comment: Not observed at significant frequency in large population cohorts (gnomAD); In silico analysis supports that this missense variant does not alter protein structure/function; Has not been previously published as pathogenic or benign to our knowledge

NM_003931.3(WASF1):c.740A>C (p.Asp247Ala)

Gene: WASF1 (WASP family member 1; minus strand). Cytogenetic location: 6q21.
Variant type: single nucleotide variant.
Coding change: c.740A>C on transcript NM_003931.3 (MANE Select); coding-DNA position 740, A replaced by C.
Protein change: p.Asp247Ala; replaces aspartic acid 247 with alanine.
Molecular consequence: missense variant.
Genome position (GRCh38, 1-based): chr6:110,103,531, T>G on the plus strand (A>C on the coding strand, the complement: WASF1 is on the minus strand). VCF-style: chr6-110103531-T-G. GRCh37 (hg19) VCF-style: chr6-110424734-T-G.
Other names: c.740A>C, p.Asp247Ala (NM_001024934.2, NM_001024935.2, NM_001024936.2); short protein forms D247A.
Identifiers: ClinVar variation 3253290 (VCV003253290.1), dbSNP rs2534216199.